The following is an entry in ClinVar:

ClinVar aggregate classification (germline): Pathogenic. Review status: criteria provided, multiple submitters, no conflicts (2 of 4 stars). 2 submissions from 2 submitters: Pathogenic (2). Last evaluated 2025-01-06.

Conditions:
CNGA1-related disorder. Also called: CNGA1-related condition.

Allele frequency attached by ClinVar (database versions not stated): ExAC 0.00001; gnomAD exomes 0.00001; TOPMed 0.00003.
gnomAD v4.1: 13 of 1,613,954 alleles (0.00081%); highest among the groups gnomAD compares: African/African-American, 0.011%; no homozygotes.

Submissions (2):

Labcorp Genetics (formerly Invitae), Labcorp
Classification: Pathogenic. Last evaluated: 2025-01-06. Review status: criteria provided, single submitter. Criteria: Invitae Variant Classification Sherloc (09022015). Collection method: clinical testing. Allele origin: germline.
Comment: This sequence change replaces serine, which is neutral and polar, with arginine, which is basic and polar, at codon 352 of the CNGA1 protein (p.Ser352Arg). This variant is present in population databases (rs759079269, gnomAD 0.007%). This missense change has been observed in individual(s) with retinitis pigmentosa (PMID: 31456290, 32531858; internal data). In at least one individual the data is consistent with being in trans (on the opposite chromosome) from a pathogenic variant. ClinVar contains an entry for this variant (Variation ID: 866043). Invitae Evidence Modeling of protein sequence and biophysical properties (such as structural, functional, and spatial information, amino acid conservation, physicochemical variation, residue mobility, and thermodynamic stability) indicates that this missense variant is expected to disrupt CNGA1 protein function with a positive predictive value of 80%. For these reasons, this variant has been classified as Pathogenic.

Blueprint Genetics
Classification: Pathogenic for CNGA1-related disorders. Last evaluated: 2017-10-12. Review status: criteria provided, single submitter. Criteria: ACMG Guidelines, 2015. Collection method: clinical testing. Allele origin: germline. Affected: yes. Observed: 1 variant allele.

Literature cited by the submitters: PubMed 31456290 (cited by Labcorp Genetics (formerly Invitae), Labcorp); PubMed 32531858 (cited by Labcorp Genetics (formerly Invitae), Labcorp).

NM_001379270.1(CNGA1):c.1044C>G (p.Ser348Arg)

Genes: CNGA1 (cyclic nucleotide gated channel subunit alpha 1; minus strand), LOC101927157 (uncharacterized LOC101927157; plus strand). Cytogenetic location: 4p12.
Variant type: single nucleotide variant.
Coding change: c.1044C>G on transcript NM_001379270.1 (MANE Select); coding-DNA position 1044, C replaced by G.
Protein change: p.Ser348Arg; replaces serine 348 with arginine.
Molecular consequence: missense variant.
Genome position (GRCh38, 1-based): chr4:47,937,438, G>C on the plus strand (C>G on the coding strand, the complement: CNGA1 is on the minus strand). VCF-style: chr4-47937438-G-C. GRCh37 (hg19) VCF-style: chr4-47939455-G-C.
Other names: c.1044C>G, p.Ser348Arg (NM_000087.5, NM_001142564.2); short protein forms S348R.
Identifiers: ClinVar variation 866043 (VCV000866043.8), dbSNP rs759079269, ClinGen allele CA2911145.